The following is an entry in ClinVar:

ClinVar aggregate classification (germline): Pathogenic/Likely pathogenic. Review status: criteria provided, multiple submitters, no conflicts (2 of 4 stars). 8 submissions from 8 submitters: Pathogenic (5); Likely pathogenic (2). 1 of the submissions does not count toward it. Last evaluated 2026-06-23.

Conditions:
Neurodevelopmental disorder with or without autism or seizures (NEDAUS). Identifiers: MedGen C5543225, MONDO:0030994, OMIM 619239.
CUL3-related disorder. Also called: CUL3-related condition; CUL3-related disorders.
Abnormal cardiovascular system morphology. Also called: Abnormality of cardiovascular system morphology. Identifiers: MedGen C4049796, HP:0030680.

Submissions (8):

Women's Health and Genetics/Laboratory Corporation of America, LabCorp
Classification: Pathogenic for CUL3-Related Disorders. Last evaluated: 2026-06-23. Review status: criteria provided, single submitter. Criteria: LabCorp Variant Classification Summary - May 2015. Collection method: clinical testing. Allele origin: germline.
Comment: Variant summary: CUL3 c.1549_1552delTCAG (p.Ser517ProfsX23) results in a premature termination codon, predicted to cause a truncation of the encoded protein or absence of the protein due to nonsense mediated decay, which are commonly known mechanisms for disease. The variant was absent in 251464 control chromosomes. c.1549_1552delTCAG has been observed in a heterozygous individual(s) affected with CUL3-related conditions (Morton_2021). To our knowledge, no experimental evidence demonstrating an impact on protein function has been reported. The following publication has been ascertained in the context of this evaluation (PMID: 33084842). ClinVar contains an entry for this variant (Variation ID: 916050). Based on the evidence outlined above, the variant was classified as pathogenic.

Hadassah Hebrew University Medical Center
Classification: Pathogenic for Neurodevelopmental disorder with or without autism or seizures. Last evaluated: 2025-10-01. Review status: criteria provided, single submitter. Criteria: ACMG Guidelines, 2015. Collection method: clinical testing. Allele origin: de novo. Affected: yes.
Comment: This variant is absent from the global population databases (PM2_Moderate); Null variant in a gene where Loss-of-function is a known mechanism of disease (PVS1_Very strong); According to PMID: 32341456 (PS3_Moderate); De novo (PS2_Strong)

Dasa
Classification: Pathogenic. Last evaluated: 2025-05-28. Review status: criteria provided, single submitter. Criteria: DASA Assertion Criteria. Collection method: clinical testing. Allele origin: germline.
Comment: NM_003590.5(CUL3):c.1549_1552del (p.Ser517Profs*23) is a frameshift variant in CUL3 predicted to alter the reading frame and introduce a premature termination codon and is predicted to result in an absent or altered protein product. Loss of function is an established disease mechanism for CUL3-associated disorders. This variant has been recurrently observed in individuals with CUL3-related disorders (PMID: 37665043; PMID: 39301775). This variant has been reported as a de novo occurrence in an affected individual (PMID: 37665043). Also, this variant is absent from population databases. Based on the currently available evidence, this variant is classified as pathogenic.

Blueprint Genetics
Classification: Pathogenic for CUL3-related disorders. Last evaluated: 2023-06-19. Review status: criteria provided, single submitter. Criteria: ACMG Guidelines, 2015. Collection method: clinical testing. Allele origin: de novo. Affected: yes. Observed: 1 variant allele.

Labcorp Genetics (formerly Invitae), Labcorp
Classification: Pathogenic. Last evaluated: 2023-05-21. Review status: criteria provided, single submitter. Criteria: Invitae Variant Classification Sherloc (09022015). Collection method: clinical testing. Allele origin: germline.
Comment: This sequence change creates a premature translational stop signal (p.Ser517Profs*23) in the CUL3 gene. It is expected to result in an absent or disrupted protein product. Loss-of-function variants in CUL3 are known to be pathogenic (PMID: 32341456). This variant is not present in population databases (gnomAD no frequency). This variant has not been reported in the literature in individuals affected with CUL3-related conditions. ClinVar contains an entry for this variant (Variation ID: 916050). For these reasons, this variant has been classified as Pathogenic.

Provincial Medical Genetics Program of British Columbia, University of British Columbia
Classification: Likely pathogenic for Abnormal cardiovascular system morphology. Last evaluated: 2022-07-25. Review status: criteria provided, single submitter. Criteria: ACMG Guidelines, 2015. Collection method: clinical testing. Allele origin: de novo. Inheritance: Sporadic. Affected: yes. Observed: 1 heterozygote.

Laboratory of Molecular Genetics (Pr. Bezieau's lab), CHU de Nantes
Classification: Likely pathogenic. Last evaluated: 2019-12-12. Review status: criteria provided, single submitter. Criteria: ACMG Guidelines, 2015. Collection method: clinical testing. Allele origin: germline. Affected: yes.

OMIM
Classification: Pathogenic for NEURODEVELOPMENTAL DISORDER WITH OR WITHOUT AUTISM OR SEIZURES. Last evaluated: 2026-10-08. Review status: no assertion criteria provided. Collection method: literature only. Allele origin: germline. Not counted in ClinVar's aggregate classification.

Literature cited by the submitters: PubMed 33084842 (cited by Women's Health and Genetics/Laboratory Corporation of America, LabCorp); PubMed 32341456 (cited by Hadassah Hebrew University Medical Center and Labcorp Genetics (formerly Invitae), Labcorp); PubMed 37665043 (cited by Dasa); PubMed 39301775 (cited by Dasa and OMIM).

NM_003590.5(CUL3):c.1549_1552del (p.Ser517fs)

Gene: CUL3 (cullin 3; minus strand). Cytogenetic location: 2q36.2.
Variant type: Microsatellite.
Coding change: c.1549_1552del on transcript NM_003590.5 (MANE Select); coding-DNA positions 1549 to 1552, 4 bases deleted (TCAG; older notation c.1549_1552delTCAG).
Protein change: p.Ser517fs; shifts the reading frame from serine 517.
Molecular consequence: frameshift variant.
Genome position (GRCh38, 1-based): chr2:224,500,421-224,500,424, CTGA deleted on the plus strand (TCAG on the coding strand, the reverse complement: CUL3 is on the minus strand); deleting any 4 consecutive bases within chr2:224,500,421-224,500,428 gives the same sequence; the c. name uses the placement nearest the transcript's 3' end. VCF-style (leftmost placement, unchanged base first): chr2-224500420-GCTGA-G. GRCh37 (hg19) VCF-style: chr2-225365137-GCTGA-G.
Other names: c.1351_1354del, p.Ser451fs (NM_001257197.2); c.1567_1570del, p.Ser523fs (NM_001257198.2); c.1549_1552delTCAG (NM_003590.5); short protein forms S523fs, S451fs, S517fs.
Identifiers: ClinVar variation 916050 (VCV000916050.10), dbSNP rs1692335353, ClinGen allele CA1139657742.